The following is an entry in ClinVar:

NM_015425.6(POLR1A):c.2495A>G (p.Asn832Ser)

Gene: POLR1A (RNA polymerase I subunit A; minus strand). Cytogenetic location: 2p11.2.
Variant type: single nucleotide variant.
Coding change: c.2495A>G on transcript NM_015425.6 (MANE Select); coding-DNA position 2495, A replaced by G.
Protein change: p.Asn832Ser; replaces asparagine 832 with serine.
Molecular consequence: missense variant.
Genome position (GRCh38, 1-based): chr2:86,049,023, T>C on the plus strand (A>G on the coding strand, the complement: POLR1A is on the minus strand). VCF-style: chr2-86049023-T-C. GRCh37 (hg19) VCF-style: chr2-86276146-T-C.
Other names: short protein forms N832S.
Identifiers: ClinVar variation 1515832 (VCV001515832.8), dbSNP rs748734326, ClinGen allele CA347541068.

ClinVar aggregate classification (germline): Uncertain significance (1 of 4 stars; one submission).

Submission:

Labcorp Genetics (formerly Invitae), Labcorp
Classification: Uncertain significance. Last evaluated: 2022-02-27. Review status: criteria provided, single submitter. Criteria: Invitae Variant Classification Sherloc (09022015). Collection method: clinical testing. Allele origin: germline.
Comment: In summary, the available evidence is currently insufficient to determine the role of this variant in disease. Therefore, it has been classified as a Variant of Uncertain Significance. Algorithms developed to predict the effect of missense changes on protein structure and function output the following: SIFT: "Not Available"; PolyPhen-2: "Benign"; Align-GVGD: "Not Available". The serine amino acid residue is found in multiple mammalian species, which suggests that this missense change does not adversely affect protein function. This variant has not been reported in the literature in individuals affected with POLR1A-related conditions. This variant is not present in population databases (gnomAD no frequency). This sequence change replaces asparagine, which is neutral and polar, with serine, which is neutral and polar, at codon 832 of the POLR1A protein (p.Asn832Ser).